The following is an entry in ClinVar:

NM_000426.4(LAMA2):c.1263del (p.Ser421_Leu422insTer)

Gene: LAMA2 (laminin subunit alpha 2; plus strand). Cytogenetic location: 6q22.33.
Variant type: Deletion.
Coding change: c.1263del on transcript NM_000426.4 (MANE Select); coding-DNA position 1263, one base deleted (C; older notation c.1263delC).
Protein change: p.Ser421_Leu422insTer.
Molecular consequence: frameshift variant.
Genome position (GRCh38, 1-based): chr6:129,165,632, C deleted; the last of 2 consecutive C bases (chr6:129,165,631-129,165,632); deleting either gives the same sequence. VCF-style (leftmost placement, unchanged base first): chr6-129165630-TC-T. GRCh37 (hg19) VCF-style: chr6-129486775-TC-T.
Other names: c.1263del, p.Ser421_Leu422insTer (NM_001079823.2).
Identifiers: ClinVar variation 984699 (VCV000984699.6), dbSNP rs1779702214, ClinGen allele CA1139659806.

ClinVar aggregate classification (germline): Pathogenic. Review status: criteria provided, multiple submitters, no conflicts (2 of 4 stars). 3 submissions from 3 submitters: Pathogenic (3). Last evaluated 2025-12-29.

Conditions:
Merosin deficient congenital muscular dystrophy (MDC1A). Also called: Congenital Muscular Dystrophy Type 1A (MDC1A); Congenital merosin-deficient muscular dystrophy 1A. Identifiers: Orphanet 258, MedGen C1263858, MONDO:0011925, OMIM 607855.
Muscular dystrophy, limb-girdle, autosomal recessive 23. Identifiers: Orphanet 565837, MedGen C4748327, MONDO:0029136, OMIM 618138.

Submissions (3):

3billion
Classification: Pathogenic for Muscular dystrophy, limb-girdle, autosomal recessive 23. Last evaluated: 2025-12-29. Review status: criteria provided, single submitter. Criteria: ACMG Guidelines, 2015. Collection method: clinical testing. Allele origin: germline. Affected: yes.
Comment: The variant is not observed in the gnomAD v4.1.0 dataset. Predicted Consequence/Location: Stop-gained (nonsense): predicted to result in a loss or disruption of normal protein function through nonsense-mediated decay (NMD) or protein truncation. Multiple pathogenic variants are reported downstream of the variant. The variant has been reported at least twice as pathogenic without evidence for the classification (ClinVar ID: VCV000984699 /PMID: 28097321). Therefore, this variant is classified as Pathogenic according to the recommendation of ACMG/AMP guideline.

Revvity Omics, Revvity
Classification: Pathogenic. Last evaluated: 2021-02-04. Review status: criteria provided, single submitter. Criteria: ACMG Guidelines, 2015. Collection method: clinical testing. Allele origin: germline.

Institute of Human Genetics, University of Leipzig Medical Center
Classification: Pathogenic for Merosin deficient congenital muscular dystrophy. Last evaluated: 2020-03-01. Review status: criteria provided, single submitter. Criteria: ACMG Guidelines, 2015. Collection method: clinical testing. Allele origin: biparental. Inheritance: Autosomal recessive inheritance. Affected: yes.
Comment: Review of the variants reported in Reuter et al., 2017, PMID: 28097321: PVS1,PM2,PM3_Supporting

Literature cited by the submitters: PubMed 28097321 (cited by 3billion).